The following is an entry in ClinVar:

NM_004385.5(VCAN):c.2962C>T (p.Pro988Ser)

Gene: VCAN (versican; plus strand). Cytogenetic location: 5q14.3.
Variant type: single nucleotide variant.
Coding change: c.2962C>T on transcript NM_004385.5 (MANE Select); coding-DNA position 2962, C replaced by T.
Protein change: p.Pro988Ser; replaces proline 988 with serine.
Molecular consequence: missense variant. On other transcripts: intron variant (2).
Genome position (GRCh38, 1-based): chr5:83,521,268, C>T. VCF-style: chr5-83521268-C-T. GRCh37 (hg19) VCF-style: chr5-82817087-C-T.
Other names: c.2962C>T, p.Pro988Ser (NM_001164098.2); c.1042+8872C>T (NM_001164097.2, NM_001126336.3); short protein forms P988S.
Identifiers: ClinVar variation 2012626 (VCV002012626.4), dbSNP rs2479055102, ClinGen allele CA360305052.
Genomic context (GRCh38, chr5:83,521,268, plus strand): 5'-GACTCTTCCCATACCATTCCTCTTTCTGTAATTCCCAAGACAGACTGGGGAGTGTTAGTA[C>T]CTTCTGTTCCATCAGAAGATGAAGTTCTAGGTGAACCCTCTCAAGACATACTTGTCATTG-3'
Protein context (NP_004376.2, residues 978-998): IPKTDWGVLV[Pro988Ser]SVPSEDEVLG

ClinVar aggregate classification (germline): Uncertain significance (1 of 4 stars; one submission).

Submission:

Labcorp Genetics (formerly Invitae), Labcorp
Classification: Uncertain significance. Last evaluated: 2022-07-01. Review status: criteria provided, single submitter. Criteria: Invitae Variant Classification Sherloc (09022015). Collection method: clinical testing. Allele origin: germline.
Comment: In summary, the available evidence is currently insufficient to determine the role of this variant in disease. Therefore, it has been classified as a Variant of Uncertain Significance. Algorithms developed to predict the effect of missense changes on protein structure and function output the following: SIFT: "Tolerated"; PolyPhen-2: "Benign"; Align-GVGD: "Class C0". The serine amino acid residue is found in multiple mammalian species, which suggests that this missense change does not adversely affect protein function. This variant has not been reported in the literature in individuals affected with VCAN-related conditions. This variant is not present in population databases (gnomAD no frequency). This sequence change replaces proline, which is neutral and non-polar, with serine, which is neutral and polar, at codon 988 of the VCAN protein (p.Pro988Ser).